The following is an entry in ClinVar:

ClinVar aggregate classification (germline): Uncertain significance (1 of 4 stars; one submission).

Conditions:
Glycogen storage disease, type II (IOPD). Also called: Glycogen storage disease type 2; Acid maltase deficiency disease; Aglucosidase alfa; Deficiency of alpha-glucosidase; Deficiency of lysosomal alpha-glucosidase; Glucosidase acid-1,4-alpha deficiency. Identifiers: Orphanet 365, MedGen C0017921, MONDO:0009290, OMIM 232300.

Submission:

Labcorp Genetics (formerly Invitae), Labcorp
Classification: Uncertain significance for Glycogen storage disease, type II. Last evaluated: 2022-07-25. Review status: criteria provided, single submitter. Criteria: Invitae Variant Classification Sherloc (09022015). Collection method: clinical testing. Allele origin: germline.
Comment: This sequence change replaces phenylalanine, which is neutral and non-polar, with cysteine, which is neutral and slightly polar, at codon 490 of the GAA protein (p.Phe490Cys). In summary, the available evidence is currently insufficient to determine the role of this variant in disease. Therefore, it has been classified as a Variant of Uncertain Significance. Advanced modeling of protein sequence and biophysical properties (such as structural, functional, and spatial information, amino acid conservation, physicochemical variation, residue mobility, and thermodynamic stability) performed at Invitae indicates that this missense variant is expected to disrupt GAA protein function. This variant has not been reported in the literature in individuals affected with GAA-related conditions. This variant is not present in population databases (gnomAD no frequency).

NM_000152.5(GAA):c.1469T>G (p.Phe490Cys)

Gene: GAA (alpha glucosidase; plus strand). Cytogenetic location: 17q25.3.
Variant type: single nucleotide variant.
Coding change: c.1469T>G on transcript NM_000152.5 (MANE Select); coding-DNA position 1469, T replaced by G.
Protein change: p.Phe490Cys; replaces phenylalanine 490 with cysteine.
Molecular consequence: missense variant.
Genome position (GRCh38, 1-based): chr17:80,110,758, T>G. VCF-style: chr17-80110758-T-G. GRCh37 (hg19) VCF-style: chr17-78084557-T-G.
Other names: c.1469T>G, p.Phe490Cys (NM_001079803.3, NM_001079804.3, NM_001406741.1 and 1 more transcripts); short protein forms F490C.
Identifiers: ClinVar variation 1713810 (VCV001713810.6), dbSNP rs2510373806, ClinGen allele CA401366893.